The following is an entry in ClinVar:

NM_001458.5(FLNC):c.4181A>G (p.Lys1394Arg)

Gene: FLNC (filamin C; plus strand). Cytogenetic location: 7q32.1.
Variant type: single nucleotide variant.
Coding change: c.4181A>G on transcript NM_001458.5 (MANE Select); coding-DNA position 4181, A replaced by G.
Protein change: p.Lys1394Arg; replaces lysine 1394 with arginine.
Molecular consequence: missense variant.
Genome position (GRCh38, 1-based): chr7:128,846,798, A>G. VCF-style: chr7-128846798-A-G. GRCh37 (hg19) VCF-style: chr7-128486852-A-G.
Other names: c.4181A>G, p.Lys1394Arg (NM_001127487.2); short protein forms K1394R.
Identifiers: ClinVar variation 2565517 (VCV002565517.2), dbSNP rs2536643594, ClinGen allele CA369200536.

ClinVar aggregate classification (germline): Uncertain significance (1 of 4 stars; one submission).

Conditions:
Cardiovascular phenotype. Identifiers: MedGen CN230736.

Submission:

Ambry Genetics
Classification: Uncertain significance for Cardiovascular phenotype. Last evaluated: 2023-04-16. Review status: criteria provided, single submitter. Criteria: Ambry Variant Classification Scheme 2023. Collection method: clinical testing. Allele origin: germline.
Comment: The p.K1394R variant (also known as c.4181A>G), located in coding exon 24 of the FLNC gene, results from an A to G substitution at nucleotide position 4181. The lysine at codon 1394 is replaced by arginine, an amino acid with highly similar properties. This amino acid position is conserved. In addition, the in silico prediction for this alteration is inconclusive. Since supporting evidence is limited at this time, the clinical significance of this alteration remains unclear.